The following is an entry in ClinVar:

NM_016239.4(MYO15A):c.10094A>G (p.Gln3365Arg)

Gene: MYO15A (myosin XVA; plus strand). Cytogenetic location: 17p11.2.
Variant type: single nucleotide variant.
Coding change: c.10094A>G on transcript NM_016239.4 (MANE Select); coding-DNA position 10094, A replaced by G.
Protein change: p.Gln3365Arg; replaces glutamine 3365 with arginine.
Molecular consequence: missense variant.
Genome position (GRCh38, 1-based): chr17:18,171,649, A>G. VCF-style: chr17-18171649-A-G. GRCh37 (hg19) VCF-style: chr17-18074963-A-G.
Other names: short protein forms Q3365R.
Identifiers: ClinVar variation 504637 (VCV000504637.18), dbSNP rs200843771, ClinGen allele CA8425805.

ClinVar aggregate classification (germline): Conflicting classifications of pathogenicity. Review status: criteria provided, conflicting classifications (1 of 4 stars). 7 submissions from 7 submitters: Uncertain significance (5); Likely benign (2). Last evaluated 2026-01-29.

Conditions:
Inborn genetic diseases. Identifiers: MedGen C0950123, MeSH D030342.
MYO15A-related disorder. Also called: MYO15A-related condition.
Autosomal recessive nonsyndromic hearing loss 3. Also called: NEUROSENSORY NONSYNDROMIC RECESSIVE DEAFNESS 3. Identifiers: Orphanet 90636, MedGen C1838263, MONDO:0010860, OMIM 600316.

Allele frequency attached by ClinVar (database versions not stated): gnomAD exomes 0.00004 and 0.00009; ExAC 0.00010; ESP Exome Variant Server 0.00016; gnomAD 0.00042 and 0.00046; TOPMed 0.00054; 1000 Genomes Project 0.00060; 1000 Genomes Project 30x 0.00078.
gnomAD v4.1: 123 of 1,613,928 alleles (0.0076%); highest among the groups gnomAD compares: African/African-American, 0.15%; no homozygotes.

Submissions (7):

PreventionGenetics, part of Exact Sciences
Classification: Likely benign for MYO15A-related condition. Last evaluated: 2026-01-29. Review status: criteria provided, single submitter. Criteria: ACMG Guidelines, 2015. Collection method: clinical testing. Allele origin: germline.
Comment: This variant is classified as likely benign based on ACMG/AMP sequence variant interpretation guidelines (Richards et al. 2015 PMID: 25741868, with internal and published modifications).

Labcorp Genetics (formerly Invitae), Labcorp
Classification: Likely benign. Last evaluated: 2025-12-03. Review status: criteria provided, single submitter. Criteria: Invitae Variant Classification Sherloc (09022015). Collection method: clinical testing. Allele origin: germline.

Blueprint Genetics
Classification: Uncertain significance. Last evaluated: 2024-06-20. Review status: criteria provided, single submitter. Criteria: ACMG Guidelines, 2015. Collection method: clinical testing. Allele origin: germline.

Ambry Genetics
Classification: Uncertain significance for Inborn genetic diseases. Last evaluated: 2020-12-31. Review status: criteria provided, single submitter. Criteria: Ambry Variant Classification Scheme 2023. Collection method: clinical testing. Allele origin: germline.
Comment: The c.10094A>G (p.Q3365R) alteration is located in exon 63 (coding exon 62) of the MYO15A gene. This alteration results from an A to G substitution at nucleotide position 10094, causing the glutamine (Q) at amino acid position 3365 to be replaced by an arginine (R). Based on data from the Genome Aggregation Database (gnomAD) database, the MYO15A c.10094A>G alteration was observed in 0.01% (38/280546) of total alleles studied, with a frequency of 0.15% (37/24164) in the African subpopulation. This amino acid position is well conserved in available vertebrate species. The p.Q3365R alteration is predicted to be tolerated by in silico analysis. Based on insufficient or conflicting evidence, the clinical significance of this alteration remains unclear.

GeneDx
Classification: Uncertain significance. Last evaluated: 2020-04-14. Review status: criteria provided, single submitter. Criteria: GeneDx Variant Classification Process June 2021. Collection method: clinical testing. Allele origin: germline. Affected: yes.
Comment: In silico analysis supports that this missense variant does not alter protein structure/function; Has not been previously published as pathogenic or benign to our knowledge

Fulgent Genetics
Classification: Uncertain significance for Autosomal recessive nonsyndromic hearing loss 3. Last evaluated: 2018-10-31. Review status: criteria provided, single submitter. Criteria: ACMG Guidelines, 2015. Collection method: clinical testing. Allele origin: unknown.

Laboratory for Molecular Medicine, Mass General Brigham Personalized Medicine
Classification: Uncertain significance. Last evaluated: 2016-10-13. Review status: criteria provided, single submitter. Criteria: LMM Criteria. Collection method: clinical testing. Allele origin: germline. Observed: 1 variant allele.
Comment: Variant classified as Uncertain Significance - Favor Benign. The p.Gln3365Arg va riant in MYO15A has not been previously reported in individuals with hearing los s, but it has been identified in 0.1% (12/9576) of African chromosomes by the Ex ome Aggregation Consortium (ExAC; dbSNP rs200843 771). Although this variant has been seen in the general population, its frequen cy is not high enough to rule out a pathogenic role. The glutamine at position 3 365 is not conserved in mammals or evolutionary distant species; with 2 species (elephant and manatee) having an arginine (Arg) at this position supporting that a change at this position may be tolerated. Additional computational prediction tools do not provide strong support for or against an impact to the protein. I n summary, while the clinical significance of the p.Gln3365Arg variant is uncert ain, available data suggest that it is more likely to be benign.